The following is an entry in ClinVar:

NM_032638.5(GATA2):c.1143+203A>G

Gene: GATA2 (GATA binding protein 2; minus strand). Cytogenetic location: 3q21.3.
Variant type: single nucleotide variant.
Coding change: c.1143+203A>G on transcript NM_032638.5 (MANE Select); 203 bases into the intron after coding-DNA position 1143, A replaced by G.
Molecular consequence: intron variant.
Genome position (GRCh38, 1-based): chr3:128,481,616, T>C on the plus strand (A>G on the coding strand, the complement: GATA2 is on the minus strand). VCF-style: chr3-128481616-T-C. GRCh37 (hg19) VCF-style: chr3-128200459-T-C.
Other names: c.1101+203A>G (NM_001145662.1); c.1143+203A>G (NM_001145661.2).
Identifiers: ClinVar variation 539725 (VCV000539725.12), dbSNP rs2713604, ClinGen allele CA11482321.

ClinVar aggregate classification (germline): Benign. Review status: criteria provided, multiple submitters, no conflicts (2 of 4 stars). 2 submissions from 2 submitters: Benign (2). Last evaluated 2026-02-02.

Conditions:
Deafness-lymphedema-leukemia syndrome. Also called: Lymphedema, primary, with myelodysplasia; Emberger syndrome. Identifiers: Orphanet 3226, MedGen C3279664, MONDO:0013540, OMIM 614038.
Monocytopenia with susceptibility to infections. Also called: MONOCYTOPENIA AND MYCOBACTERIAL INFECTION SYNDROME; MONOCYTOPENIA WITH SUSCEPTIBILITY TO MYCOBACTERIAL, FUNGAL, AND PAPILLOMAVIRUS INFECTIONS AND MYELODYSPLASIA; COMBINED IMMUNODEFICIENCY WITH SUSCEPTIBILITY TO MYCOBACTERIAL, VIRAL, AND FUNGAL INFECTIONS; Dendritic cell, monocyte, B lymphocyte, and natural killer lymphocyte deficiency; IMMUNODEFICIENCY 21; GATA2 DEFICIENCY. Identifiers: Orphanet 228423, MedGen C3280030, MONDO:0013607, OMIM 614172.

Allele frequency attached by ClinVar (database versions not stated): TOPMed 0.70439; 1000 Genomes Project 0.69010; gnomAD 0.69241 and 0.69604; 1000 Genomes Project 30x 0.69503.
gnomAD v4.1: 105,238 of 151,788 alleles (69%); highest among the groups gnomAD compares: African/African-American, 76%; 36,637 homozygotes.

Submissions (2):

Labcorp Genetics (formerly Invitae), Labcorp
Classification: Benign for Monocytopenia with susceptibility to infections; Deafness-lymphedema-leukemia syndrome. Last evaluated: 2026-02-02. Review status: criteria provided, single submitter. Criteria: Invitae Variant Classification Sherloc (09022015). Collection method: clinical testing. Allele origin: germline.

GeneDx
Classification: Benign. Last evaluated: 2018-09-14. Review status: criteria provided, single submitter. Criteria: GeneDx Variant Classification Process June 2021. Collection method: clinical testing. Allele origin: germline. Affected: yes.
Comment: This variant is associated with the following publications: (PMID: 16934006)